The following is an entry in ClinVar:

NM_033004.4(NLRP1):c.1693G>A (p.Gly565Arg)

Gene: NLRP1 (NLR family pyrin domain containing 1; minus strand). Cytogenetic location: 17p13.2.
Variant type: single nucleotide variant.
Coding change: c.1693G>A on transcript NM_033004.4 (MANE Select); coding-DNA position 1693, G replaced by A.
Protein change: p.Gly565Arg; replaces glycine 565 with arginine.
Molecular consequence: missense variant.
Genome position (GRCh38, 1-based): chr17:5,559,003, C>T on the plus strand (G>A on the coding strand, the complement: NLRP1 is on the minus strand). VCF-style: chr17-5559003-C-T. GRCh37 (hg19) VCF-style: chr17-5462323-C-T.
Other names: p.Gly565Arg; c.1693G>A, p.Gly565Arg (NM_001033053.3, NM_014922.5, NM_033006.4 and 1 more transcripts); short protein forms G565R.
Identifiers: ClinVar variation 2181409 (VCV002181409.7), dbSNP rs371994894, ClinGen allele CA8327339.

ClinVar aggregate classification (germline): Conflicting classifications of pathogenicity. Review status: criteria provided, conflicting classifications (1 of 4 stars). 4 submissions from 4 submitters: Uncertain significance (3); Likely benign (1). Last evaluated 2025-11-13.

Conditions:
Inborn genetic diseases. Identifiers: MedGen C0950123, MeSH D030342.

Allele frequency attached by ClinVar (database versions not stated): gnomAD exomes 0.00002; ExAC 0.00004; gnomAD 0.00012; ESP Exome Variant Server 0.00015; TOPMed 0.00025.
gnomAD v4.1: 44 of 1,613,990 alleles (0.0027%); highest among the groups gnomAD compares: African/African-American, 0.052%; no homozygotes.

Submissions (4):

Labcorp Genetics (formerly Invitae), Labcorp
Classification: Uncertain significance. Last evaluated: 2025-11-13. Review status: criteria provided, single submitter. Criteria: Invitae Variant Classification Sherloc (09022015). Collection method: clinical testing. Allele origin: germline.
Comment: This sequence change replaces glycine, which is neutral and non-polar, with arginine, which is basic and polar, at codon 565 of the NLRP1 protein (p.Gly565Arg). This variant is present in population databases (rs371994894, gnomAD 0.05%). This variant has not been reported in the literature in individuals affected with NLRP1-related conditions. ClinVar contains an entry for this variant (Variation ID: 2181409). An algorithm developed to predict the effect of missense changes on protein structure and function outputs the following: PolyPhen-2: "Benign". The arginine amino acid residue is found in multiple mammalian species, which suggests that this missense change does not adversely affect protein function. In summary, the available evidence is currently insufficient to determine the role of this variant in disease. Therefore, it has been classified as a Variant of Uncertain Significance.

Ambry Genetics
Classification: Uncertain significance for Inborn genetic diseases. Last evaluated: 2024-01-24. Review status: criteria provided, single submitter. Criteria: Ambry Variant Classification Scheme 2023. Collection method: clinical testing. Allele origin: germline.

Mayo Clinic Laboratories, Mayo Clinic
Classification: Uncertain significance. Last evaluated: 2023-09-15. Review status: criteria provided, single submitter. Criteria: ACMG Guidelines, 2015. Collection method: clinical testing. Allele origin: germline. Observed: 1 variant allele.
Comment: BP4

Blueprint Genetics
Classification: Likely benign. Last evaluated: 2023-08-18. Review status: criteria provided, single submitter. Criteria: ACMG Guidelines, 2015. Collection method: clinical testing. Allele origin: germline.